The following is an entry in ClinVar:

NM_139343.3(BIN1):c.469T>C (p.Tyr157His)

Gene: BIN1 (bridging integrator 1; minus strand). Cytogenetic location: 2q14.3.
Variant type: single nucleotide variant.
Coding change: c.469T>C on transcript NM_139343.3 (MANE Select); coding-DNA position 469, T replaced by C.
Protein change: p.Tyr157His; replaces tyrosine 157 with histidine.
Molecular consequence: missense variant.
Genome position (GRCh38, 1-based): chr2:127,068,974, A>G on the plus strand (T>C on the coding strand, the complement: BIN1 is on the minus strand). VCF-style: chr2-127068974-A-G. GRCh37 (hg19) VCF-style: chr2-127826550-A-G.
Other names: c.469T>C, p.Tyr157His (NM_001320632.2, NM_001320633.2, NM_001320640.2 and 10 more transcripts); c.397T>C, p.Tyr133His (NM_001320634.1); c.388T>C, p.Tyr130His (NM_001320642.1); short protein forms Y157H, Y130H, Y133H.
Identifiers: ClinVar variation 461710 (VCV000461710.5), dbSNP rs1553466026, ClinGen allele CA348367773.

ClinVar aggregate classification (germline): Uncertain significance. Review status: criteria provided, multiple submitters, no conflicts (2 of 4 stars). 2 submissions from 2 submitters: Uncertain significance (2). Last evaluated 2024-10-10.

Conditions:
Myopathy, centronuclear, 2 (CNM2). Also called: MYOTUBULAR MYOPATHY, AUTOSOMAL RECESSIVE. Identifiers: Orphanet 169186, MedGen CN031787, MONDO:0009709, OMIM 255200.

gnomAD v4.1: 3 of 1,614,150 alleles (0.00019%); highest among the groups gnomAD compares: Admixed American, 0.0033%; no homozygotes.

Submissions (2):

Labcorp Genetics (formerly Invitae), Labcorp
Classification: Uncertain significance for Myopathy, centronuclear, 2. Last evaluated: 2024-10-10. Review status: criteria provided, single submitter. Criteria: Invitae Variant Classification Sherloc (09022015). Collection method: clinical testing. Allele origin: germline.
Comment: This sequence change replaces tyrosine, which is neutral and polar, with histidine, which is basic and polar, at codon 157 of the BIN1 protein (p.Tyr157His). This variant is not present in population databases (gnomAD no frequency). This variant has not been reported in the literature in individuals affected with BIN1-related conditions. ClinVar contains an entry for this variant (Variation ID: 461710). Invitae Evidence Modeling of protein sequence and biophysical properties (such as structural, functional, and spatial information, amino acid conservation, physicochemical variation, residue mobility, and thermodynamic stability) indicates that this missense variant is not expected to disrupt BIN1 protein function with a negative predictive value of 80%. In summary, the available evidence is currently insufficient to determine the role of this variant in disease. Therefore, it has been classified as a Variant of Uncertain Significance.

GeneDx
Classification: Uncertain significance. Last evaluated: 2019-03-12. Review status: criteria provided, single submitter. Criteria: GeneDx Variant Classification Process June 2021. Collection method: clinical testing. Allele origin: germline. Affected: yes.
Comment: Not observed in large population cohorts (Lek et al., 2016); In silico analysis, which includes protein predictors and evolutionary conservation, supports a deleterious effect; Has not been previously published as pathogenic or benign to our knowledge